The following is an entry in ClinVar:

ClinVar aggregate classification (germline): Likely pathogenic. Review status: criteria provided, multiple submitters, no conflicts (2 of 4 stars). 3 submissions from 3 submitters: Likely pathogenic (2). 1 of the submissions does not count toward it. Last evaluated 2025-10-21.

Conditions:
Androgen resistance syndrome (AIS). Also called: Androgen insensitivity, complete; Androgen insensitivity syndrome; DHTR DEFICIENCY; ANDROGEN RECEPTOR DEFICIENCY; DIHYDROTESTOSTERONE RECEPTOR DEFICIENCY; TESTICULAR FEMINIZATION SYNDROME. Identifiers: Orphanet 754, Orphanet 99429, MedGen C0039585, MONDO:0019154, OMIM 300068. Disease mechanism: loss of function.
Differences in sex development.

Submissions (3):

NHS Central & South Genomic Laboratory Hub
Classification: Likely pathogenic for Differences in sex development. Last evaluated: 2025-10-21. Review status: criteria provided, single submitter. Criteria: ACMG Guidelines, 2015. Collection method: clinical testing. Allele origin: germline. Affected: yes.

GeneDx
Classification: Likely pathogenic. Last evaluated: 2025-06-23. Review status: criteria provided, single submitter. Criteria: GeneDx Variant Classification Process June 2021. Collection method: clinical testing. Allele origin: germline. Affected: yes.
Comment: Not observed at significant frequency in large population cohorts (gnomAD); Missense variants in this gene are a common cause of disease and they are underrepresented in the general population; In silico analysis supports that this missense variant has a deleterious effect on protein structure/function; This variant is associated with the following publications: (PMID: 36745277, 10690872)

Clinical Molecular Genetics Laboratory, Johns Hopkins All Children's Hospital
Classification: Pathogenic for Androgen resistance syndrome. Last evaluated: 2015-02-17. Review status: no assertion criteria provided. Collection method: clinical testing. Allele origin: germline. Affected: yes. Not counted in ClinVar's aggregate classification.

NM_000044.6(AR):c.2104C>T (p.Leu702Phe)

Gene: AR (androgen receptor; plus strand). Cytogenetic location: Xq12.
Variant type: single nucleotide variant.
Coding change: c.2104C>T on transcript NM_000044.6 (MANE Select); coding-DNA position 2104, C replaced by T.
Protein change: p.Leu702Phe; replaces leucine 702 with phenylalanine.
Molecular consequence: missense variant.
Genome position (GRCh38, 1-based): chrX:67,711,620, C>T. VCF-style: chrX-67711620-C-T. GRCh37 (hg19) VCF-style: chrX-66931462-C-T.
Other names: c.508C>T, p.Leu170Phe (NM_001011645.3); c.2104C>T (NM_000044.2); short protein forms L702F, L170F.
Identifiers: ClinVar variation 492788 (VCV000492788.3), dbSNP rs1555995851, ClinGen allele CA413423422.